The following is an entry in ClinVar:

ClinVar aggregate classification (germline): no classifications from unflagged records (0 of 4 stars; one submission).

Conditions:
Immunodeficiency 122. Identifiers: MedGen C5935632, MONDO:0971151, OMIM 620869.

Submission:

OMIM
Classification: Pathogenic for IMMUNODEFICIENCY 122. Last evaluated: 2024-07-02. Review status: flagged submission. Collection method: literature only. Allele origin: germline.
ClinVar note: Notes: Flagging candidate with reason of insufficient supporting evidence. This gene has been classified as having a limited gene-disease relationship by a ClinGen Expert Panel.
ClinVar note: Reason: P/LP classification for a variant in a gene with insufficient evidence for a gene-disease relationship

Literature cited by the submitters: PubMed 37030525.

NM_006591.3(POLD3):c.29T>C (p.Ile10Thr)

Gene: POLD3 (DNA polymerase delta 3, accessory subunit; plus strand). Cytogenetic location: 11q13.4.
Variant type: single nucleotide variant.
Coding change: c.29T>C on transcript NM_006591.3 (MANE Select); coding-DNA position 29, T replaced by C.
Protein change: p.Ile10Thr; replaces isoleucine 10 with threonine.
Molecular consequence: missense variant. On other transcripts: 5 prime UTR variant (1), non-coding transcript variant (2).
Genome position (GRCh38, 1-based): chr11:74,592,687, T>C. VCF-style: chr11-74592687-T-C. GRCh37 (hg19) VCF-style: chr11-74303732-T-C.
Other names: c.-302T>C (NM_001363597.2); short protein forms I10T.
Identifiers: ClinVar variation 3250356 (VCV003250356.1), dbSNP rs2547212557.